The following is an entry in ClinVar:

NM_000218.3(KCNQ1):c.478-10G>A

Gene: KCNQ1 (potassium voltage-gated channel subfamily Q member 1; plus strand). Cytogenetic location: 11p15.5.
Variant type: single nucleotide variant.
Coding change: c.478-10G>A on transcript NM_000218.3 (MANE Select); 10 bases into the intron before coding-DNA position 478, G replaced by A.
Molecular consequence: intron variant.
Genome position (GRCh38, 1-based): chr11:2,570,618, G>A. VCF-style: chr11-2570618-G-A. GRCh37 (hg19) VCF-style: chr11-2591848-G-A.
Other names: p.?; c.208-10G>A (NM_001406837.1); c.478-10G>A (NM_001406836.1); c.478-12817G>A (NM_001406838.1); c.97-10G>A (NM_181798.2).
Identifiers: ClinVar variation 42490 (VCV000042490.32), dbSNP rs28730752, ClinGen allele CA007197.

ClinVar aggregate classification (germline): Benign. Review status: criteria provided, multiple submitters, no conflicts (2 of 4 stars). 13 submissions from 10 submitters: Benign (11). 2 of the submissions do not count toward it. Last evaluated 2026-02-04.

Conditions:
Cardiac arrhythmia. Also called: Arrhythmia; Cardiac rhythm disease. Identifiers: MedGen C0003811, MONDO:0007263, HP:0011675.
Jervell and Lange-Nielsen syndrome 1 (JLNS1). Also called: CARDIOAUDITORY SYNDROME OF JERVELL AND LANGE-NIELSEN; DEAFNESS, CONGENITAL, AND FUNCTIONAL HEART DISEASE; PROLONGED QT INTERVAL IN EKG AND SUDDEN DEATH; SURDO-CARDIAC SYNDROME. Identifiers: Orphanet 768, Orphanet 90647, MedGen C4551509, MONDO:0024540, OMIM 220400.
Long QT syndrome 1 (LQT1). Identifiers: Orphanet 101016, Orphanet 768, MedGen C4551647, MONDO:0100316, OMIM 192500, MONDO:0008646.
Long QT syndrome (LQTS). Identifiers: MedGen C0023976, MeSH D008133, MONDO:0002442. Disease mechanism: loss of function. Inheritance: Various modes of inheritance.
Short QT syndrome type 2. Identifiers: Orphanet 51083, MedGen C1865019, MONDO:0012313, OMIM 609621.
Atrial fibrillation, familial, 3 (ATFB3). Identifiers: MedGen C1837014, MONDO:0011857, OMIM 607554.

Allele frequency attached by ClinVar (database versions not stated): gnomAD 0.04576 and 0.04910; 1000 Genomes Project 0.05112; ESP Exome Variant Server 0.05262; TOPMed 0.05304; 1000 Genomes Project 30x 0.05309; gnomAD exomes 0.00446 and 0.01173; ExAC 0.01440.
gnomAD v4.1: 13,821 of 1,612,094 alleles (0.86%); highest among the groups gnomAD compares: African/African-American, 16%; 961 homozygotes.

Submissions (13):

Labcorp Genetics (formerly Invitae), Labcorp
Classification: Benign for Long QT syndrome. Last evaluated: 2026-02-04. Review status: criteria provided, single submitter. Criteria: Invitae Variant Classification Sherloc (09022015). Collection method: clinical testing. Allele origin: germline.

Molecular Diagnostic Laboratory for Inherited Cardiovascular Disease, Montreal Heart Institute
Classification: Benign. Last evaluated: 2025-04-09. Review status: criteria provided, single submitter. Criteria: ACMG Guidelines, 2015. Collection method: clinical testing. Allele origin: germline. Affected: no.

Color Diagnostics, LLC DBA Color Health
Classification: Benign for Arrhythmia. Last evaluated: 2018-03-19. Review status: criteria provided, single submitter. Criteria: ACMG Guidelines, 2015. Collection method: clinical testing. Allele origin: germline.

Illumina Laboratory Services, Illumina
Classification: Benign for Atrial fibrillation, familial, 3. Last evaluated: 2018-01-13. Review status: criteria provided, single submitter. Criteria: ICSL Variant Classification Criteria 13 December 2019. Collection method: clinical testing. Allele origin: germline.
Comment: This variant was observed in the ICSL laboratory as part of a predisposition screen in an ostensibly healthy population. It had not been previously curated by ICSL or reported in the Human Gene Mutation Database (HGMD: prior to June 1st, 2018), and was therefore a candidate for classification through an automated scoring system. Utilizing variant allele frequency, disease prevalence and penetrance estimates, and inheritance mode, an automated score was calculated to assess if this variant is too frequent to cause the disease. Based on the score and internal cut-off values, a variant classified as benign is not then subjected to further curation. The score for this variant resulted in a classification of benign for this disease.

Illumina Laboratory Services, Illumina
Classification: Benign for Jervell and Lange-Nielsen syndrome 1. Last evaluated: 2018-01-13. Review status: criteria provided, single submitter. Criteria: ICSL Variant Classification Criteria 13 December 2019. Collection method: clinical testing. Allele origin: germline.
Comment: the same text as in the submission from Illumina Laboratory Services, Illumina above.

Illumina Laboratory Services, Illumina
Classification: Benign for Long QT syndrome 1. Last evaluated: 2018-01-13. Review status: criteria provided, single submitter. Criteria: ICSL Variant Classification Criteria 13 December 2019. Collection method: clinical testing. Allele origin: germline.
Comment: the same text as in the submission from Illumina Laboratory Services, Illumina above.

Illumina Laboratory Services, Illumina
Classification: Benign for Short QT syndrome type 2. Last evaluated: 2018-01-13. Review status: criteria provided, single submitter. Criteria: ICSL Variant Classification Criteria 13 December 2019. Collection method: clinical testing. Allele origin: germline.
Comment: the same text as in the submission from Illumina Laboratory Services, Illumina above.

GeneDx
Classification: Benign. Last evaluated: 2015-03-03. Review status: criteria provided, single submitter. Criteria: GeneDx Variant Classification Process June 2021. Collection method: clinical testing. Allele origin: germline. Affected: yes.

Mayo Clinic Laboratories, Mayo Clinic
Classification: Benign. Last evaluated: 2014-12-11. Review status: criteria provided, single submitter. Criteria: ACMG Guidelines, 2015. Collection method: clinical testing. Allele origin: germline. Observed: 49 variant alleles.

Laboratory for Molecular Medicine, Mass General Brigham Personalized Medicine
Classification: Benign. Last evaluated: 2012-05-07. Review status: criteria provided, single submitter. Criteria: LMM Criteria. Collection method: clinical testing. Allele origin: germline. Observed: 55 variant alleles.
Comment: 478-10G>A in Intron 02 of KCNQ1: This variant is not expected to have clinical s ignificance because it has been identified in 14.7% (549/3734) of African Americ an chromosomes from a broad population by the NHLBI Exome Sequencing Project (dbSNP rs28730752).

Breakthrough Genomics
Classification: Benign. Review status: criteria provided, single submitter. Criteria: ACMG Guidelines, 2015. Collection method: not provided. Allele origin: germline. Inheritance: Autosomal recessive inheritance. Affected: yes.

Clinical Genetics, Academic Medical Center
Classification: Benign. Review status: no assertion criteria provided. Collection method: clinical testing. Allele origin: germline. Affected: yes. Study: VKGL Data-share Consensus. Not counted in ClinVar's aggregate classification.

Joint Genome Diagnostic Labs from Nijmegen and Maastricht, Radboudumc and MUMC+
Classification: Likely benign. Review status: no assertion criteria provided. Collection method: clinical testing. Allele origin: germline. Affected: yes. Study: VKGL Data-share Consensus. Not counted in ClinVar's aggregate classification.